The following is an entry in ClinVar:

NM_032892.5(FRMD5):c.1226G>A (p.Arg409Gln)

Gene: FRMD5 (FERM domain containing 5; minus strand). Cytogenetic location: 15q15.3.
Variant type: single nucleotide variant.
Coding change: c.1226G>A on transcript NM_032892.5 (MANE Select); coding-DNA position 1226, G replaced by A.
Protein change: p.Arg409Gln; replaces arginine 409 with glutamine.
Molecular consequence: missense variant. On other transcripts: non-coding transcript variant (1).
Genome position (GRCh38, 1-based): chr15:43,874,372, C>T on the plus strand (G>A on the coding strand, the complement: FRMD5 is on the minus strand). VCF-style: chr15-43874372-C-T. GRCh37 (hg19) VCF-style: chr15-44166570-C-T.
Other names: c.944G>A, p.Arg315Gln (NM_001286490.2); c.524G>A, p.Arg175Gln (NM_001286491.2); c.1226G>A, p.Arg409Gln (NM_001322949.2, NM_001322950.2, NM_001411124.1); c.1121G>A, p.Arg374Gln (NM_001322951.2); short protein forms R175Q, R315Q, R374Q, R409Q.
Identifiers: ClinVar variation 3770685 (VCV003770685.13).

ClinVar aggregate classification (germline): Likely benign (1 of 4 stars; one submission).

gnomAD v4.1: 971 of 1,614,188 alleles (0.06%); highest among the groups gnomAD compares: African/African-American, 0.47%; 2 homozygotes.

Submission:

CeGaT Center for Human Genetics Tuebingen
Classification: Likely benign. Last evaluated: 2026-04-01. Review status: criteria provided, single submitter. Criteria: CeGaT Center For Human Genetics Tuebingen Variant Classification Criteria Version 2. Collection method: clinical testing. Allele origin: germline. Affected: yes. Observed: 3 variant alleles.
Comment: FRMD5: BP4, BS1